The following is an entry in ClinVar:

ClinVar aggregate classification (germline): Conflicting classifications of pathogenicity. Review status: criteria provided, conflicting classifications (1 of 4 stars). 2 submissions from 2 submitters: Uncertain significance (1); Likely benign (1). Last evaluated 2026-02-24.

Conditions:
Hereditary cancer-predisposing syndrome. Also called: Hereditary neoplastic syndrome; Tumor predisposition; Neoplastic Syndromes, Hereditary; Hereditary Cancer Syndrome. Identifiers: Orphanet 140162, MedGen C0027672, MeSH D009386, MONDO:0015356.
POLD1-related polyposis and colorectal cancer syndrome (CRCS10). Also called: Colorectal cancer 10; COLORECTAL CANCER, SUSCEPTIBILITY TO, ON CHROMOSOME 19q; Colorectal cancer, susceptibility to, 10. Identifiers: Orphanet 220460, MedGen C2675481, MONDO:0012953, OMIM 612591.

Allele frequency attached by ClinVar (database versions not stated): gnomAD exomes below 0.00001.
gnomAD v4.1: 1 of 1,613,968 alleles (0.000062%); highest among the groups gnomAD compares: East Asian, 0.0022%; no homozygotes.

Submissions (2):

Ambry Genetics
Classification: Likely benign for Hereditary cancer-predisposing syndrome. Last evaluated: 2026-02-24. Review status: criteria provided, single submitter. Criteria: Ambry Variant Classification Scheme 2023. Collection method: clinical testing. Allele origin: germline.

Labcorp Genetics (formerly Invitae), Labcorp
Classification: Uncertain significance for POLD1-related polyposis and colorectal cancer syndrome. Last evaluated: 2019-10-14. Review status: criteria provided, single submitter. Criteria: Invitae Variant Classification Sherloc (09022015). Collection method: clinical testing. Allele origin: germline.
Comment: This sequence change affects codon 154 of the POLD1 mRNA. It is a 'silent' change, meaning that it does not change the encoded amino acid sequence of the POLD1 protein. Algorithms developed to predict the effect of sequence changes on RNA splicing suggest that this variant may create or strengthen a splice site, but this prediction has not been confirmed by published transcriptional studies. This variant has not been reported in the literature in individuals with POLD1-related conditions. This variant is not present in population databases (ExAC no frequency). In summary, the available evidence is currently insufficient to determine the role of this variant in disease. Therefore, it has been classified as a Variant of Uncertain Significance.

NM_002691.4(POLD1):c.462T>A (p.Pro154=)

Gene: POLD1 (DNA polymerase delta 1, catalytic subunit; plus strand). Cytogenetic location: 19q13.33.
Variant type: single nucleotide variant.
Coding change: c.462T>A on transcript NM_002691.4 (MANE Select); coding-DNA position 462, T replaced by A.
Protein change: p.Pro154=; no amino-acid change (proline 154 retained).
Molecular consequence: synonymous variant. On other transcripts: non-coding transcript variant (1).
Genome position (GRCh38, 1-based): chr19:50,401,923, T>A. VCF-style: chr19-50401923-T-A. GRCh37 (hg19) VCF-style: chr19-50905180-T-A.
Other names: c.462T>A, p.Pro154= (NM_001256849.1, NM_001308632.1); c.462T>A (NM_002691.2).
Identifiers: ClinVar variation 935568 (VCV000935568.10), dbSNP rs1019022551, ClinGen allele CA508304250.